The following is an entry in ClinVar:

ClinVar aggregate classification (germline): Benign/Likely benign. Review status: criteria provided, multiple submitters, no conflicts (2 of 4 stars). 8 submissions from 7 submitters: Benign (2); Likely benign (6). Last evaluated 2026-02-01.

Conditions:
Amyotrophic lateral sclerosis type 4 (ALS4). Also called: AMYOTROPHIC LATERAL SCLEROSIS 4, JUVENILE; NEURONOPATHY, DISTAL HEREDITARY MOTOR, WITH PYRAMIDAL FEATURES. Identifiers: Orphanet 357043, MedGen C1865409, MONDO:0011223, OMIM 602433.
Spinocerebellar ataxia, autosomal recessive, with axonal neuropathy 2 (SCAN2). Also called: Ataxia with Oculomotor Apraxia Type 2; Ataxia-ocular apraxia-2; ATAXIA-OCULOMOTOR APRAXIA 2; Ataxia with Oculomotor Apraxia. Identifiers: Orphanet 64753, MedGen C1853761, MONDO:0018996, OMIM 606002.

Allele frequency attached by ClinVar (database versions not stated): gnomAD exomes 0.00006 and 0.00009; ExAC 0.00007; ESP Exome Variant Server 0.00008; TOPMed 0.00012; 1000 Genomes Project 30x 0.00016; 1000 Genomes Project 0.00020; gnomAD 0.00030 and 0.00031.
gnomAD v4.1: 183 of 1,612,952 alleles (0.011%); highest among the groups gnomAD compares: African/African-American, 0.031%; no homozygotes.

Submissions (8):

Labcorp Genetics (formerly Invitae), Labcorp
Classification: Likely benign for Amyotrophic lateral sclerosis type 4; Spinocerebellar ataxia, autosomal recessive, with axonal neuropathy 2. Last evaluated: 2026-02-01. Review status: criteria provided, single submitter. Criteria: Invitae Variant Classification Sherloc (09022015). Collection method: clinical testing. Allele origin: germline.

Athena Diagnostics
Classification: Benign. Last evaluated: 2025-04-08. Review status: criteria provided, single submitter. Criteria: Athena Diagnostics Criteria. Collection method: clinical testing. Allele origin: unknown.
Comment: The frequency of this variant in the general population is higher than would generally be expected for pathogenic variants in this gene.

Laboratory of Genetics, Children's Clinical University Hospital Latvia
Classification: Benign. Last evaluated: 2025-02-16. Review status: criteria provided, single submitter. Criteria: ACMG Guidelines, 2015. Collection method: clinical testing. Allele origin: germline. Affected: yes.

Blueprint Genetics
Classification: Likely benign. Last evaluated: 2024-11-26. Review status: criteria provided, single submitter. Criteria: ACMG Guidelines, 2015. Collection method: clinical testing. Allele origin: germline.

CeGaT Center for Human Genetics Tuebingen
Classification: Likely benign. Last evaluated: 2024-01-01. Review status: criteria provided, single submitter. Criteria: CeGaT Center For Human Genetics Tuebingen Variant Classification Criteria Version 2. Collection method: clinical testing. Allele origin: germline. Affected: yes. Observed: 1 variant allele.
Comment: SETX: BP4, BP7

Genome-Nilou Lab
Classification: Likely benign for Spinocerebellar ataxia, autosomal recessive, with axonal neuropathy 2. Last evaluated: 2023-02-08. Review status: criteria provided, single submitter. Criteria: ACMG Guidelines, 2015. Collection method: clinical testing. Allele origin: germline.

Genome-Nilou Lab
Classification: Likely benign for Amyotrophic lateral sclerosis type 4. Last evaluated: 2023-02-08. Review status: criteria provided, single submitter. Criteria: ACMG Guidelines, 2015. Collection method: clinical testing. Allele origin: germline.

GeneDx
Classification: Likely benign. Last evaluated: 2021-05-07. Review status: criteria provided, single submitter. Criteria: GeneDx Variant Classification Process June 2021. Collection method: clinical testing. Allele origin: germline. Affected: yes.

NM_015046.7(SETX):c.2955G>A (p.Ser985=)

Gene: SETX (senataxin; minus strand). Cytogenetic location: 9q34.13.
Variant type: single nucleotide variant.
Coding change: c.2955G>A on transcript NM_015046.7 (MANE Select); coding-DNA position 2955, G replaced by A.
Protein change: p.Ser985=; no amino-acid change (serine 985 retained).
Molecular consequence: synonymous variant.
Genome position (GRCh38, 1-based): chr9:132,328,643, C>T on the plus strand (G>A on the coding strand, the complement: SETX is on the minus strand). VCF-style: chr9-132328643-C-T. GRCh37 (hg19) VCF-style: chr9-135204030-C-T.
Other names: c.2955G>A, p.Ser985= (NM_001351527.2, NM_001351528.2).
Identifiers: ClinVar variation 767351 (VCV000767351.35), dbSNP rs201251074, ClinGen allele CA5297508.
Genomic context (GRCh38, chr9:132,328,643, plus strand): 5'-AACATTATTTTGGTTAGCTGTGAAACATCTTTTATCTTCTTTTACTTTCCTTTGCAGCTG[C>T]GATGAGTTCTGAGGTGAATCGGATGGGAACGTAATAACACTGGCTTGAGCTAGTAAAGAT-3'
Protein context (NP_055861.3, residues 975-995): TFPSDSPQNS[Ser985=]QLQRKVKEDK